The following is an entry in ClinVar:

NC_000006.11:g.(?_1609367)_(1610939_?)del

Gene: FOXC1 (forkhead box C1; plus strand). Cytogenetic location: 6p25.3.
Variant type: Deletion.
Identifiers: ClinVar variation 2424166 (VCV002424166.4).

ClinVar aggregate classification (germline): Pathogenic (1 of 4 stars; one submission).

Conditions:
Axenfeld-Rieger syndrome type 3 (RIEG3). Also called: AXENFELD-RIEGER ANOMALY WITH CARDIAC DEFECTS AND/OR SENSORINEURAL HEARING LOSS. Identifiers: Orphanet 782, MedGen C2678503, MONDO:0011233, OMIM 602482.

Submission:

Labcorp Genetics (formerly Invitae), Labcorp
Classification: Pathogenic for Axenfeld-Rieger syndrome type 3. Last evaluated: 2022-06-08. Review status: criteria provided, single submitter. Criteria: Invitae Variant Classification Sherloc (09022015). Collection method: clinical testing. Allele origin: germline.
Comment: This variant results in the deletion of part of exon 1 (c.-1314_259delins28) of the FOXC1 gene. It is expected to result in an absent or disrupted protein product. Loss-of-function variants in FOXC1 are known to be pathogenic (PMID: 16936096, 20881294). For these reasons, this variant has been classified as Pathogenic. This variant has not been reported in the literature in individuals affected with FOXC1-related conditions.

Literature cited by the submitters: PubMed 16936096; PubMed 20881294.